The following is an entry in ClinVar:

NM_153240.5(NPHP3):c.514T>C (p.Phe172Leu)

Genes: NPHP3 (nephrocystin 3; minus strand), NPHP3-ACAD11 (NPHP3-ACAD11 readthrough (NMD candidate); minus strand). Cytogenetic location: 3q22.1.
Variant type: single nucleotide variant.
Coding change: c.514T>C on transcript NM_153240.5 (MANE Select); coding-DNA position 514, T replaced by C.
Protein change: p.Phe172Leu; replaces phenylalanine 172 with leucine.
Molecular consequence: missense variant. On other transcripts: non-coding transcript variant (1).
Genome position (GRCh38, 1-based): chr3:132,719,710, A>G on the plus strand (T>C on the coding strand, the complement: NPHP3 is on the minus strand). VCF-style: chr3-132719710-A-G. GRCh37 (hg19) VCF-style: chr3-132438554-A-G.
Other names: short protein forms F172L.
Identifiers: ClinVar variation 5002533 (VCV005002533.1).

ClinVar aggregate classification (germline): Uncertain significance (1 of 4 stars; one submission).

Conditions:
NPHP3-related disorder. Also called: NPHP3-related disorders; NPHP3-related condition. Identifiers: MedGen CN379163.

Submission:

PreventionGenetics, part of Exact Sciences
Classification: Uncertain significance for NPHP3-related condition. Last evaluated: 2025-07-08. Review status: criteria provided, single submitter. Criteria: ACMG Guidelines, 2015. Collection method: clinical testing. Allele origin: germline.
Comment: The NPHP3 c.514T>C variant is predicted to result in the amino acid substitution p.Phe172Leu. To our knowledge, this variant has not been reported in the literature or in a large population database (gnomAD), indicating this variant is rare. At this time, the clinical significance of this variant is uncertain due to the absence of conclusive functional and genetic evidence.